The following is an entry in ClinVar:

ClinVar aggregate classification (germline): Likely pathogenic (1 of 4 stars; one submission).

Conditions:
Hereditary cancer-predisposing syndrome. Also called: Tumor predisposition; Neoplastic Syndromes, Hereditary; Hereditary Cancer Syndrome; Hereditary neoplastic syndrome. Identifiers: Orphanet 140162, MedGen C0027672, MeSH D009386, MONDO:0015356.

Submission:

Ambry Genetics
Classification: Likely pathogenic for Hereditary cancer-predisposing syndrome. Last evaluated: 2020-07-02. Review status: criteria provided, single submitter. Criteria: Ambry Variant Classification Scheme 2023. Collection method: clinical testing. Allele origin: germline.
Comment: The c.313-2A>C intronic variant results from an A to C substitution two nucleotides upstream from coding exon 4 in the SDHA gene. This nucleotide position is highly conserved in available vertebrate species. Using the BDGP and ESEfinder splice site prediction tools, this alteration is predicted to abolish the native splice acceptor site; however, direct evidence is unavailable. Alterations that disrupt the canonical splice site are expected to cause aberrant splicing, resulting in an abnormal protein or a transcript that is subject to nonsense-mediated mRNA decay. As such, this alteration is classified as likely pathogenic.

NM_004168.4(SDHA):c.313-2A>C

Gene: SDHA (succinate dehydrogenase complex flavoprotein subunit A; plus strand). Cytogenetic location: 5p15.33.
Variant type: single nucleotide variant.
Coding change: c.313-2A>C on transcript NM_004168.4 (MANE Select); the canonical splice acceptor site of the intron before coding-DNA position 313, A replaced by C.
Molecular consequence: splice acceptor variant. On other transcripts: intron variant (1).
Genome position (GRCh38, 1-based): chr5:225,417, A>C. VCF-style: chr5-225417-A-C. GRCh37 (hg19) VCF-style: chr5-225532-A-C.
Other names: c.313-2A>C (NM_001330758.2); c.313-466A>C (NM_001294332.2).
Identifiers: ClinVar variation 1727979 (VCV001727979.2), dbSNP rs2477293918, ClinGen allele CA359009168.